The following is an entry in ClinVar:

NM_000256.3(MYBPC3):c.1922G>A (p.Arg641Lys)

Gene: MYBPC3 (myosin binding protein C3; minus strand). Cytogenetic location: 11p11.2.
Variant type: single nucleotide variant.
Coding change: c.1922G>A on transcript NM_000256.3 (MANE Select); coding-DNA position 1922, G replaced by A.
Protein change: p.Arg641Lys; replaces arginine 641 with lysine.
Molecular consequence: missense variant.
Genome position (GRCh38, 1-based): chr11:47,341,008, C>T on the plus strand (G>A on the coding strand, the complement: MYBPC3 is on the minus strand). VCF-style: chr11-47341008-C-T. GRCh37 (hg19) VCF-style: chr11-47362559-C-T.
Other names: short protein forms R641K.
Identifiers: ClinVar variation 2773730 (VCV002773730.2), dbSNP rs2495759132, ClinGen allele CA380323255.

ClinVar aggregate classification (germline): Uncertain significance (1 of 4 stars; one submission).

Conditions:
Cardiomyopathy (CMYO). Also called: Cardiomyopathies. Identifiers: Orphanet 167848, MedGen C0878544, MONDO:0004994, HP:0001638. Inheritance: Various modes of inheritance.

Submission:

Color Diagnostics, LLC DBA Color Health
Classification: Uncertain significance for Cardiomyopathy. Last evaluated: 2024-03-06. Review status: criteria provided, single submitter. Criteria: ACMG Guidelines, 2015. Collection method: clinical testing. Allele origin: germline.
Comment: This missense variant replaces arginine with lysine at codon 641 of the MYBPC3 protein. Computational prediction suggests that this variant may not impact protein structure and function (internally defined REVEL score threshold <= 0.5, PMID: 27666373). To our knowledge, functional studies have not been reported for this variant. This variant has not been reported in individuals affected with cardiovascular disorders in the literature. This variant has not been identified in the general population by the Genome Aggregation Database (gnomAD). The available evidence is insufficient to determine the role of this variant in disease conclusively. Therefore, this variant is classified as a Variant of Uncertain Significance.